The following is an entry in ClinVar:

ClinVar aggregate classification (germline): Pathogenic. Review status: criteria provided, single submitter (1 of 4 stars). 3 submissions from 3 submitters: Pathogenic (1). 2 of the submissions do not count toward it.

Conditions:
DLL4-related disorder. Also called: DLL4-related condition.
Adams-Oliver syndrome (AOS). Identifiers: Orphanet 974, MedGen C0265268, MONDO:0007034.
Adams-Oliver syndrome 6 (AOS6). Identifiers: Orphanet 974, MedGen C4225271, MONDO:0014703, OMIM 616589.

Allele frequency attached by ClinVar (database versions not stated): TOPMed 0.00001.

Submissions (3):

Centre of Medical Genetics, University of Antwerp
Classification: Pathogenic for Adams-Oliver Syndrome. Review status: criteria provided, single submitter. Criteria: Submitter's publication. Collection method: research. Allele origin: paternal. Affected: yes.

PreventionGenetics, part of Exact Sciences
Classification: Likely pathogenic for DLL4-related condition. Last evaluated: 2024-06-10. Review status: no assertion criteria provided. Collection method: clinical testing. Allele origin: germline. Not counted in ClinVar's aggregate classification.
Comment: The DLL4 c.556C>T variant is predicted to result in the amino acid substitution p.Arg186Cys. This variant has been reported in at least three individuals, including two affected individuals within the same family, with Adams-Oliver syndrome (Meester et al 2015. PubMed ID: 26299364; Dudoignon et al 2019. PubMed ID: 31654484). This variant has not been reported in a large population database, indicating this variant is rare. This variant is interpreted as likely pathogenic.

OMIM
Classification: Pathogenic for ADAMS-OLIVER SYNDROME 6. Last evaluated: 2015-08-19. Review status: no assertion criteria provided. Collection method: literature only. Allele origin: germline. Not counted in ClinVar's aggregate classification.

Literature cited by the submitters: PubMed 26299364 (cited by OMIM).

NM_019074.4(DLL4):c.556C>T (p.Arg186Cys)

Gene: DLL4 (delta like canonical Notch ligand 4; plus strand). Cytogenetic location: 15q15.1.
Variant type: single nucleotide variant.
Coding change: c.556C>T on transcript NM_019074.4 (MANE Select); coding-DNA position 556, C replaced by T.
Protein change: p.Arg186Cys; replaces arginine 186 with cysteine.
Molecular consequence: missense variant.
Genome position (GRCh38, 1-based): chr15:40,931,664, C>T. VCF-style: chr15-40931664-C-T. GRCh37 (hg19) VCF-style: chr15-41223862-C-T.
Other names: short protein forms R186C.
Identifiers: ClinVar variation 204373 (VCV000204373.3), dbSNP rs796065348, ClinGen allele CA248813.